The following is an entry in ClinVar:

ClinVar aggregate classification (germline): Uncertain significance (1 of 4 stars; one submission).

Conditions:
Renal carnitine transport defect (CDSP). Also called: Carnitine Deficiency, Systemic; Systemic primary carnitine deficiency disease; CARNITINE DEFICIENCY, SYSTEMIC, DUE TO DEFECT IN RENAL REABSORPTION OF CARNITINE; CARNITINE TRANSPORTER, PLASMA-MEMBRANE, DEFICIENCY OF; CARNITINE UPTAKE DEFECT; Primary carnitine deficiency. Identifiers: Orphanet 158, MedGen C0342788, MONDO:0008919, OMIM 212140.

gnomAD v4.1: 2 of 1,614,184 alleles (0.00012%); highest among the groups gnomAD compares: Non-Finnish European, 0.000085%; no homozygotes.

Submission:

Labcorp Genetics (formerly Invitae), Labcorp
Classification: Uncertain significance for Renal carnitine transport defect. Last evaluated: 2021-11-23. Review status: criteria provided, single submitter. Criteria: Invitae Variant Classification Sherloc (09022015). Collection method: clinical testing. Allele origin: germline.
Comment: This sequence change replaces threonine, which is neutral and polar, with isoleucine, which is neutral and non-polar, at codon 311 of the SLC22A5 protein (p.Thr311Ile). This variant is not present in population databases (gnomAD no frequency). This variant has not been reported in the literature in individuals affected with SLC22A5-related conditions. Advanced modeling of protein sequence and biophysical properties (such as structural, functional, and spatial information, amino acid conservation, physicochemical variation, residue mobility, and thermodynamic stability) performed at Invitae indicates that this missense variant is not expected to disrupt SLC22A5 protein function. In summary, the available evidence is currently insufficient to determine the role of this variant in disease. Therefore, it has been classified as a Variant of Uncertain Significance.

NM_003060.4(SLC22A5):c.932C>T (p.Thr311Ile)

Gene: SLC22A5 (solute carrier family 22 member 5; plus strand). Cytogenetic location: 5q31.1.
Variant type: single nucleotide variant.
Coding change: c.932C>T on transcript NM_003060.4 (MANE Select); coding-DNA position 932, C replaced by T.
Protein change: p.Thr311Ile; replaces threonine 311 with isoleucine.
Molecular consequence: missense variant.
Genome position (GRCh38, 1-based): chr5:132,387,132, C>T. VCF-style: chr5-132387132-C-T. GRCh37 (hg19) VCF-style: chr5-131722824-C-T.
Other names: c.1004C>T, p.Thr335Ile (NM_001308122.2); short protein forms T311I, T335I.
Identifiers: ClinVar variation 1352524 (VCV001352524.3), dbSNP rs770408585, ClinGen allele CA360805715.